The following is an entry in ClinVar:

NM_024339.5(THOC6):c.484-13C>T

Gene: THOC6 (THO complex subunit 6; plus strand). Cytogenetic location: 16p13.3.
Variant type: single nucleotide variant.
Coding change: c.484-13C>T on transcript NM_024339.5 (MANE Select); 13 bases into the intron before coding-DNA position 484, C replaced by T.
Molecular consequence: intron variant.
Genome position (GRCh38, 1-based): chr16:3,026,666, C>T. VCF-style: chr16-3026666-C-T. GRCh37 (hg19) VCF-style: chr16-3076667-C-T.
Other names: c.484-13C>T (NM_001142350.3, NM_001347704.2); c.412-13C>T (NM_001347703.2).
Identifiers: ClinVar variation 1034039 (VCV001034039.1), dbSNP rs372197717, ClinGen allele CA7855024.

ClinVar aggregate classification (germline): Uncertain significance (1 of 4 stars; one submission).

Conditions:
THOC6-related developmental delay-microcephaly-facial dysmorphism syndrome. Also called: Microcephaly, mental retardation, and distinctive facies, with cardiac and genitourinary malformations; THOC6 Intellectual Disability Syndrome; Beaulieu-Boycott-Innes syndrome. Identifiers: Orphanet 363444, MedGen C3150939, MONDO:0013362, OMIM 613680.

Allele frequency attached by ClinVar (database versions not stated): gnomAD exomes 0.00004 and 0.00002; ESP Exome Variant Server 0.00008; gnomAD 0.00001 and 0.00002; TOPMed 0.00001; ExAC 0.00003.
gnomAD v4.1: 74 of 1,610,888 alleles (0.0046%); highest among the groups gnomAD compares: Non-Finnish European, 0.0048%; no homozygotes.

Submission:

Baylor Genetics
Classification: Uncertain significance for THOC6-related developmental delay-microcephaly-facial dysmorphism syndrome. Last evaluated: 2018-06-09. Review status: criteria provided, single submitter. Criteria: ACMG Guidelines, 2015. Collection method: clinical testing. Allele origin: maternal. Affected: yes.
Comment: This variant was determined to be of uncertain significance according to ACMG Guidelines, 2015 [PMID:25741868].